The following is an entry in ClinVar:

NM_004036.5(ADCY3):c.3114C>T (p.Phe1038=)

Genes: ADCY3 (adenylate cyclase 3; minus strand), CENPO (centromere protein O; plus strand). Cytogenetic location: 2p23.3.
Variant type: single nucleotide variant.
Coding change: c.3114C>T on transcript NM_004036.5 (MANE Select); coding-DNA position 3114, C replaced by T.
Protein change: p.Phe1038=; no amino-acid change (phenylalanine 1038 retained).
Molecular consequence: synonymous variant. On other transcripts: 3 prime UTR variant (3), non-coding transcript variant (3).
Genome position (GRCh38, 1-based): chr2:24,821,530, G>A on the plus strand (C>T on the coding strand, the complement: ADCY3 is on the minus strand). VCF-style: chr2-24821530-G-A. GRCh37 (hg19) VCF-style: chr2-25044399-G-A.
Other names: c.3117C>T, p.Phe1039= (NM_001320613.2); c.3180C>T, p.Phe1060= (NM_001377128.1); c.2976C>T, p.Phe992= (NM_001377129.1); c.2562C>T, p.Phe854= (NM_001377130.1); c.2391C>T, p.Phe797= (NM_001377131.1); c.3114C>T, p.Phe1038= (NM_001377132.1); c.*2212G>A (NM_001199803.3, NM_001322101.2, NM_024322.4).
Identifiers: ClinVar variation 3047117 (VCV003047117.2), dbSNP rs1483615736, ClinGen allele CA425171704.
Genomic context (GRCh38, chr2:24,821,530, plus strand): 5'-CATGGGAAGGGAGCCTGCTGCGGGGCAGGCCAGCTGGGGGTGCTCACCTATGCGCAGCAT[G>A]AAGTTATTGAAGGACTGGTTGTTGATGTTGGTGAGCGTATCCTTCATGGCCAGCGCGAAG-3'
Protein context (NP_004027.2, residues 1028-1048): TNINNQSFNN[Phe1038=]MLRIGMNKGG

ClinVar aggregate classification (germline): Likely benign (0 of 4 stars; one submission).

Conditions:
ADCY3-related disorder. Also called: ADCY3-related condition.

Allele frequency attached by ClinVar (database versions not stated): gnomAD exomes below 0.00001; gnomAD 0.00001; TOPMed 0.00002.
gnomAD v4.1: 4 of 1,614,050 alleles (0.00025%); highest among the groups gnomAD compares: Middle Eastern, 0.016%; no homozygotes.

Submission:

PreventionGenetics, part of Exact Sciences
Classification: Likely benign for ADCY3-related condition. Last evaluated: 2020-03-17. Review status: no assertion criteria provided. Collection method: clinical testing. Allele origin: germline.
Comment: This variant is classified as likely benign based on ACMG/AMP sequence variant interpretation guidelines (Richards et al. 2015 PMID: 25741868, with internal and published modifications).